The following is an entry in ClinVar:

NM_001007553.3(CSDE1):c.775dup (p.Ser259fs)

Gene: CSDE1 (cold shock domain containing E1; minus strand). Cytogenetic location: 1p13.2.
Variant type: Duplication.
Coding change: c.775dup on transcript NM_001007553.3 (MANE Select); coding-DNA position 775, one base duplicated (A; older notation c.775dupA).
Protein change: p.Ser259fs; shifts the reading frame from serine 259.
Molecular consequence: frameshift variant.
Genome position (GRCh38, 1-based): chr1:114,733,794, T duplicated on the plus strand (A on the coding strand, the reverse complement: CSDE1 is on the minus strand). VCF-style (leftmost placement, unchanged base first): chr1-114733793-C-CT. GRCh37 (hg19) VCF-style: chr1-115276414-C-CT.
Other names: c.820dup, p.Ser274fs (NM_001130523.3); c.913dup, p.Ser305fs (NM_001242891.2); c.775dup, p.Ser259fs (NM_001242892.2); c.682dup, p.Ser228fs (NM_001242893.2, NM_007158.6); short protein forms S274fs, S259fs, S228fs, S305fs.
Identifiers: ClinVar variation 3836659 (VCV003836659.1).
Genomic context (GRCh38, chr1:114,733,793, plus strand): 5'-TGGTTTTTACTGGGTACTTTTGGGATAACTTTGGTTACAGTTCCTTCAAAATGTTCAATG[C>CT]TGATATCTTCAAAAATGACTGTTCCTTGAGGCAATAGTCTGACATCTGTTGCAACTTCTT-3'

ClinVar aggregate classification (germline): Pathogenic (1 of 4 stars; one submission).

Conditions:
Inborn genetic diseases. Identifiers: MedGen C0950123, MeSH D030342.

Submission:

Ambry Genetics
Classification: Pathogenic for Inborn genetic diseases. Last evaluated: 2025-01-10. Review status: criteria provided, single submitter. Criteria: Ambry Variant Classification Scheme 2023. Collection method: clinical testing. Allele origin: germline.
Comment: The c.913dupA (p.S305Kfs*3) alteration, located in exon 10 (coding exon 8) of the CSDE1 gene, consists of a duplication of A at position 913, causing a translational frameshift with a predicted alternate stop codon after 3 amino acids. This alteration is expected to result in loss of function by premature protein truncation or nonsense-mediated mRNA decay. This variant was not reported in population-based cohorts in the Genome Aggregation Database (gnomAD). Based on the available evidence, this alteration is classified as pathogenic.